The following is an entry in ClinVar:

ClinVar aggregate classification (germline): Uncertain significance (1 of 4 stars; one submission).

Conditions:
Primary ciliary dyskinesia. Also called: Ciliary dyskinesia. Identifiers: Orphanet 244, MedGen C0008780, MONDO:0016575, HP:0012265.

Submission:

Labcorp Genetics (formerly Invitae), Labcorp
Classification: Uncertain significance for Primary ciliary dyskinesia. Last evaluated: 2024-05-20. Review status: criteria provided, single submitter. Criteria: Invitae Variant Classification Sherloc (09022015). Collection method: clinical testing. Allele origin: germline.
Comment: This sequence change replaces glycine, which is neutral and non-polar, with phenylalanine, which is neutral and non-polar, at codon 114 of the DNAI2 protein (p.Gly114Phe). Information on the frequency of this variant in the gnomAD database is not available, as this variant may be reported differently in the database. This variant has not been reported in the literature in individuals affected with DNAI2-related conditions. An algorithm developed to predict the effect of missense changes on protein structure and function (PolyPhen-2) suggests that this variant is likely to be tolerated. In summary, the available evidence is currently insufficient to determine the role of this variant in disease. Therefore, it has been classified as a Variant of Uncertain Significance.

NM_023036.6(DNAI2):c.340_341delinsTT (p.Gly114Phe)

Gene: DNAI2 (dynein axonemal intermediate chain 2; plus strand). Cytogenetic location: 17q25.1.
Variant type: Indel.
Coding change: c.340_341delinsTT on transcript NM_023036.6 (MANE Select); coding-DNA positions 340 to 341, GG replaced by TT.
Protein change: p.Gly114Phe; replaces glycine 114 with phenylalanine.
Molecular consequence: missense variant. On other transcripts: non-coding transcript variant (1).
Genome position (GRCh38, 1-based): chr17:74,285,196-74,285,197, GG replaced by TT. VCF-style: chr17-74285196-GG-TT. GRCh37 (hg19) VCF-style: chr17-72281335-GG-TT.
Other names: c.340_341delinsTT, p.Gly114Phe (NM_001172810.3, NM_001353167.2); short protein forms G114F.
Identifiers: ClinVar variation 3685791 (VCV003685791.2).